The following is an entry in ClinVar:

NM_003597.5(KLF11):c.412G>A (p.Val138Ile)

Gene: KLF11 (KLF transcription factor 11; plus strand). Cytogenetic location: 2p25.1.
Variant type: single nucleotide variant.
Coding change: c.412G>A on transcript NM_003597.5 (MANE Select); coding-DNA position 412, G replaced by A.
Protein change: p.Val138Ile; replaces valine 138 with isoleucine.
Molecular consequence: missense variant.
Genome position (GRCh38, 1-based): chr2:10,047,749, G>A. VCF-style: chr2-10047749-G-A. GRCh37 (hg19) VCF-style: chr2-10187876-G-A.
Other names: c.361G>A, p.Val121Ile (NM_001177716.2, NM_001177718.2); short protein forms V138I, V121I.
Identifiers: ClinVar variation 2489585 (VCV002489585.3), dbSNP rs933412369, ClinGen allele CA42428993.

ClinVar aggregate classification (germline): Conflicting classifications of pathogenicity. Review status: criteria provided, conflicting classifications (1 of 4 stars). 2 submissions from 2 submitters: Uncertain significance (1); Likely benign (1). Last evaluated 2025-03-04.

Allele frequency attached by ClinVar (database versions not stated): gnomAD 0.00001; gnomAD exomes 0.00001.
gnomAD v4.1: 4 of 1,613,600 alleles (0.00025%); highest among the groups gnomAD compares: Admixed American, 0.005%; no homozygotes.

Submissions (2):

Labcorp Genetics (formerly Invitae), Labcorp
Classification: Uncertain significance. Last evaluated: 2025-03-04. Review status: criteria provided, single submitter. Criteria: Invitae Variant Classification Sherloc (09022015). Collection method: clinical testing. Allele origin: germline.
Comment: This sequence change replaces valine, which is neutral and non-polar, with isoleucine, which is neutral and non-polar, at codon 138 of the KLF11 protein (p.Val138Ile). This variant is present in population databases (no rsID available, gnomAD 0.003%). This variant has not been reported in the literature in individuals affected with KLF11-related conditions. ClinVar contains an entry for this variant (Variation ID: 2489585). An algorithm developed to predict the effect of missense changes on protein structure and function outputs the following: PolyPhen-2: "Benign". The isoleucine amino acid residue is found in multiple mammalian species, which suggests that this missense change does not adversely affect protein function. In summary, the available evidence is currently insufficient to determine the role of this variant in disease. Therefore, it has been classified as a Variant of Uncertain Significance.

Ambry Genetics
Classification: Likely benign. Last evaluated: 2023-02-27. Review status: criteria provided, single submitter. Criteria: Ambry Variant Classification Scheme 2023. Collection method: clinical testing. Allele origin: germline.